The following is an entry in ClinVar:

NM_138386.3(NAF1):c.1309C>T (p.Arg437Cys)

Gene: NAF1 (nuclear assembly factor 1 ribonucleoprotein; minus strand). Cytogenetic location: 4q32.2.
Variant type: single nucleotide variant.
Coding change: c.1309C>T on transcript NM_138386.3 (MANE Select); coding-DNA position 1309, C replaced by T.
Protein change: p.Arg437Cys; replaces arginine 437 with cysteine.
Molecular consequence: missense variant. On other transcripts: intron variant (1).
Genome position (GRCh38, 1-based): chr4:163,129,073, G>A on the plus strand (C>T on the coding strand, the complement: NAF1 is on the minus strand). VCF-style: chr4-163129073-G-A. GRCh37 (hg19) VCF-style: chr4-164050225-G-A.
Other names: c.1309C>T (NM_138386.2); c.1034-1958C>T (NM_001128931.2); short protein forms R437C.
Identifiers: ClinVar variation 2894460 (VCV002894460.4), dbSNP rs374170803, ClinGen allele CA3126124.

ClinVar aggregate classification (germline): Uncertain significance. Review status: criteria provided, multiple submitters, no conflicts (2 of 4 stars). 2 submissions from 2 submitters: Uncertain significance (2). Last evaluated 2025-09-02.

Allele frequency attached by ClinVar (database versions not stated): gnomAD exomes 0.00010; ESP Exome Variant Server 0.00015; ExAC 0.00013.

Submissions (2):

Labcorp Genetics (formerly Invitae), Labcorp
Classification: Uncertain significance. Last evaluated: 2025-09-02. Review status: criteria provided, single submitter. Criteria: Invitae Variant Classification Sherloc (09022015). Collection method: clinical testing. Allele origin: germline.
Comment: This sequence change replaces arginine, which is basic and polar, with cysteine, which is neutral and slightly polar, at codon 437 of the NAF1 protein (p.Arg437Cys). This variant is present in population databases (rs374170803, gnomAD 0.01%). This variant has not been reported in the literature in individuals affected with NAF1-related conditions. ClinVar contains an entry for this variant (Variation ID: 2894460). An algorithm developed to predict the effect of missense changes on protein structure and function outputs the following: PolyPhen-2: "Benign". The cysteine amino acid residue is found in multiple mammalian species, which suggests that this missense change does not adversely affect protein function. In summary, the available evidence is currently insufficient to determine the role of this variant in disease. Therefore, it has been classified as a Variant of Uncertain Significance.

Ambry Genetics
Classification: Uncertain significance. Last evaluated: 2024-10-07. Review status: criteria provided, single submitter. Criteria: Ambry Variant Classification Scheme 2023. Collection method: clinical testing. Allele origin: germline.